The following is an entry in ClinVar:

ClinVar aggregate classification (germline): Pathogenic. Review status: criteria provided, multiple submitters, no conflicts (2 of 4 stars). 7 submissions from 7 submitters: Pathogenic (6). 1 of the submissions does not count toward it. Last evaluated 2025-12-02.

Conditions:
Eichsfeld type congenital muscular dystrophy (CMYO3). Also called: Rigid spine muscular dystrophy 1; SELENON-related myopathy; Congenital myopathy 3 with rigid spine; MYOPATHY, SEPN1-RELATED. Identifiers: MedGen C0410180, MONDO:0100100, OMIM 602771.

Submissions (7):

Labcorp Genetics (formerly Invitae), Labcorp
Classification: Pathogenic for Eichsfeld type congenital muscular dystrophy. Last evaluated: 2025-12-02. Review status: criteria provided, single submitter. Criteria: Invitae Variant Classification Sherloc (09022015). Collection method: clinical testing. Allele origin: germline.
Comment: This sequence change creates a premature translational stop signal (p.Gln8Profs*78) in the SELENON gene. It is expected to result in an absent or disrupted protein product. Loss-of-function variants in SELENON are known to be pathogenic (PMID: 21131290, 21670436). This variant is present in population databases (rs797044621, gnomAD 0.02%). This premature translational stop signal has been observed in individual(s) with congenital muscular dystrophy with spinal rigidity and/or congenital myopathy (PMID: 11528383, 19557870, 20937510, 23394784). In at least one individual the data is consistent with being in trans (on the opposite chromosome) from a pathogenic variant. This variant is also known as 22dup10bp. ClinVar contains an entry for this variant (Variation ID: 193432). For these reasons, this variant has been classified as Pathogenic.

3billion
Classification: Pathogenic for Eichsfeld type congenital muscular dystrophy. Last evaluated: 2025-09-10. Review status: criteria provided, single submitter. Criteria: ACMG Guidelines, 2015. Collection method: clinical testing. Allele origin: germline. Affected: yes.
Comment: The variant is observed at an extremely low frequency in the gnomAD v4.1.0 dataset (total allele frequency: 0.002%). Predicted Consequence/Location: Frameshift: predicted to result in a loss or disruption of normal protein function through nonsense-mediated decay (NMD) or protein truncation. Multiple pathogenic variants are reported downstream of the variant. The variant has been reported at least twice as pathogenic with clinical assertions and evidence for the classification (ClinVar ID: VCV000193432 /PMID: 11528383 /3billion dataset). Therefore, this variant is classified as Pathogenic according to the recommendation of ACMG/AMP guideline.

GeneDx
Classification: Pathogenic. Last evaluated: 2024-04-23. Review status: criteria provided, single submitter. Criteria: GeneDx Variant Classification Process June 2021. Collection method: clinical testing. Allele origin: germline. Affected: yes.
Comment: Frameshift variant predicted to result in protein truncation or nonsense mediated decay in a gene for which loss of function is a known mechanism of disease; This variant is associated with the following publications: (PMID: 29669168, 33726816, 35368679, 11528383, 19557870, 20937510, 24465259, 32796131, 12192640, 16498447, 37807786, 37273706, 17951086, 21670436, 23394784, 30921636, 35599849)

Women's Health and Genetics/Laboratory Corporation of America, LabCorp
Classification: Pathogenic for Eichsfeld type congenital muscular dystrophy. Last evaluated: 2023-02-17. Review status: criteria provided, single submitter. Criteria: LabCorp Variant Classification Summary - May 2015. Collection method: clinical testing. Allele origin: germline.
Comment: Variant summary: SELENON c.13_22dup10 (p.Gln8ProfsX78) results in a premature termination codon, predicted to cause a truncation of the encoded protein or absence of the protein due to nonsense mediated decay, which are commonly known mechanisms for disease. Truncations downstream of this position have been classified as pathogenic by our laboratory. The variant allele was found at a frequency of 0.00012 in 24242 control chromosomes. c.13_22dup10 has been reported as homozygous and compound heterozygous genotype in the literature in multiple individuals affected with Eichsfeld Type Congenital Muscular Dystrophy (example: Moghadaszadeh_2001) and related SEPN1 myopathies (example: Park_2018, Schara_2008, Scoto_2011). These data indicate that the variant is very likely to be associated with disease. To our knowledge, no experimental evidence demonstrating an impact on protein function has been reported. Three clinical diagnostic laboratories have submitted clinical-significance assessments for this variant to ClinVar after 2014 without evidence for independent evaluation. All laboratories classified the variant as pathogenic. Based on the evidence outlined above, the variant was classified as pathogenic.

Broad Center for Mendelian Genomics, Broad Institute of MIT and Harvard
Classification: Pathogenic. Last evaluated: 2023-01-24. Review status: criteria provided, single submitter. Criteria: ACMG Guidelines, 2015. Collection method: curation. Allele origin: germline. Inheritance: Autosomal recessive inheritance.
Comment: The p.Gln8fs variant in SELENON has been reported in 9 individuals with SELENON-RM (PMID: 19557870, 20937510, 23394784, 11528383, 29669168, 33726816, 30921636), segregated with disease in 2 affected relatives from 1 family (PMID: 11528383), and has been identified in 0.03% (2/7988) of African/African American chromosomes by the Genome Aggregation Database (gnomAD; dbSNP ID: rs970951421). Data from large population studies is insufficient to assess the frequency of this variant. Of the 9 affected individuals, 5 of those were homozygotes and 1 was a compound heterozygote that carried a reported likely pathogenic variant in trans, which increases the likelihood that the p.Gln8fs variant is pathogenic (PMID: 11528383, 19557870, 23394784, 30921636). This variant has also been reported in ClinVar (Variation ID#: 193432) and has been interpreted as pathogenic by Invitae and Eurofins NTD (LLC). This variant is predicted to cause a frameshift, which alters the protein‚Äôs amino acid sequence beginning at position 8 and leads to a premature termination codon 78 amino acids downstream. This alteration is then predicted to lead to a truncated or absent protein. Loss of function of the SELENON gene is an established disease mechanism in autosomal recessive SELENON-RM. In summary, this variant meets criteria to be classified as pathogenic for autosomal recessive SELENON-RM. ACMG/AMP Criteria applied: PVS1, PP1, PM3_strong (Richards 2015).

Eurofins Ntd Llc (ga)
Classification: Pathogenic. Last evaluated: 2015-01-15. Review status: criteria provided, single submitter. Criteria: EGL Classification Definitions. Collection method: clinical testing. Allele origin: germline. Observed: 2 variant alleles, 1 heterozygote, 1 homozygote.

OMIM
Classification: Pathogenic for CONGENITAL MYOPATHY 3 WITH RIGID SPINE. Last evaluated: 2002-10-01. Review status: no assertion criteria provided. Collection method: literature only. Allele origin: germline. Not counted in ClinVar's aggregate classification.

Literature cited by the submitters: PubMed 21131290 (cited by Labcorp Genetics (formerly Invitae), Labcorp); PubMed 21670436 (cited by Labcorp Genetics (formerly Invitae), Labcorp and Women's Health and Genetics/Laboratory Corporation of America, LabCorp); PubMed 11528383 (cited by 4 submitters); PubMed 19557870 (cited by Labcorp Genetics (formerly Invitae), Labcorp); PubMed 20937510 (cited by Labcorp Genetics (formerly Invitae), Labcorp); PubMed 23394784 (cited by Labcorp Genetics (formerly Invitae), Labcorp); PubMed 17951086 (cited by Women's Health and Genetics/Laboratory Corporation of America, LabCorp); PubMed 29669168 (cited by Women's Health and Genetics/Laboratory Corporation of America, LabCorp); PubMed 9585610 (cited by OMIM); PubMed 12192640 (cited by OMIM).

NM_206926.2(SELENON):c.13_22dup (p.Gln8fs)

Gene: SELENON (selenoprotein N; plus strand). Cytogenetic location: 1p36.11.
Variant type: Duplication.
Coding change: c.13_22dup on transcript NM_206926.2 (MANE Select); coding-DNA positions 13 to 22, 10 bases duplicated (CGGCCGGGCC; older notation c.13_22dupCGGCCGGGCC).
Protein change: p.Gln8fs; shifts the reading frame from glutamine 8.
Molecular consequence: frameshift variant.
Genome position (GRCh38, 1-based): chr1:25,800,243-25,800,252, CGGCCGGGCC duplicated; duplicating any 10 consecutive bases within chr1:25,800,234-25,800,252 gives the same sequence; the c. name uses the placement nearest the transcript's 3' end. VCF-style (leftmost placement, unchanged base first): chr1-25800233-G-GGGCCGGGCCC. GRCh37 (hg19) VCF-style: chr1-26126724-G-GGGCCGGGCCC.
Other names: NM_020451.3(SELENON):c.13_22dup; p.Gln8fs; c.13_22dup, p.Gln8fs (NM_020451.3); c.13_22dupCGGCCGGGCC (NM_020451.2); short protein forms Q8fs.
Identifiers: ClinVar variation 193432 (VCV000193432.19), dbSNP rs797044621, ClinGen allele CA274921.